The following is an entry in ClinVar:

NM_001369.3(DNAH5):c.7548_7549insTATGTGT (p.Glu2517delinsTyrValTer)

Gene: DNAH5 (dynein axonemal heavy chain 5; minus strand). Cytogenetic location: 5p15.2.
Variant type: Insertion.
Coding change: c.7548_7549insTATGTGT on transcript NM_001369.3 (MANE Select); coding-DNA positions 7548 to 7549, TATGTGT inserted.
Protein change: p.Glu2517delinsTyrValTer.
Molecular consequence: nonsense.
Genome position: GRCh38 VCF-style: chr5-13810119-C-CACACATA. GRCh37 (hg19) VCF-style: chr5-13810228-C-CACACATA.
Identifiers: ClinVar variation 1726906 (VCV001726906.2), dbSNP rs2546805957, ClinGen allele CA2580072020.
Genomic context (GRCh38, chr5:13,810,119, plus strand): 5'-CATCGGGCGCCACATAGTAGTCGAAGGCGGTGTCCCCGGGCCCCGCTGGCGGCGGCAGCT[C>CACACATA]CAGCGTCCCTGTGGGCCGAGAGCGCAGCCAGAGCTCCAGGCGGCGCCGTCCGTCCAGCTC-3'

ClinVar aggregate classification (germline): Likely pathogenic (1 of 4 stars; one submission).

Conditions:
Primary ciliary dyskinesia 3. Identifiers: Orphanet 244, MedGen C1837618, MONDO:0012085, OMIM 608644.

Submission:

Myriad Genetics, Inc.
Classification: Likely pathogenic for Primary ciliary dyskinesia 3. Last evaluated: 2022-01-02. Review status: criteria provided, single submitter. Criteria: Myriad Women's Health Autosomal Recessive and X-Linked Classification Criteria (2021). Collection method: clinical testing. Allele origin: unknown.
Comment: NM_001369.2(DNAH5):c.7548_7549ins7(E2517Yfs*3) is expected to be pathogenic in the context of DNAH5-related primary ciliary dyskinesia. This variant is predicted to lead to an abnormal or absent protein product due to the creation of a premature termination codon in DNAH5, a gene where loss-of-function variants are known to be pathogenic. Please note: this variant was assessed in the context of healthy population screening.